The following is an entry in ClinVar:

ClinVar aggregate classification (germline): Pathogenic/Likely pathogenic. Review status: criteria provided, multiple submitters, no conflicts (2 of 4 stars). 2 submissions from 2 submitters: Pathogenic (1); Likely pathogenic (1). Last evaluated 2022-03-10.

Conditions:
Usher syndrome type 1 (USH1). Also called: RETINITIS PIGMENTOSA AND CONGENITAL DEAFNESS. Identifiers: Orphanet 231169, Orphanet 886, MedGen C1568247, MONDO:0010168, OMIM 276900.

gnomAD v4.1: 1 of 1,586,826 alleles (0.000063%); highest among the groups gnomAD compares: Non-Finnish European, 0.000086%; no homozygotes.

Submissions (2):

Labcorp Genetics (formerly Invitae), Labcorp
Classification: Pathogenic. Last evaluated: 2022-03-10. Review status: criteria provided, single submitter. Criteria: Invitae Variant Classification Sherloc (09022015). Collection method: clinical testing. Allele origin: germline.
Comment: This variant has not been reported in the literature in individuals affected with MYO7A-related conditions. This variant is not present in population databases (gnomAD no frequency). This sequence change creates a premature translational stop signal (p.Tyr1989*) in the MYO7A gene. It is expected to result in an absent or disrupted protein product. Loss-of-function variants in MYO7A are known to be pathogenic (PMID: 8900236, 25404053). ClinVar contains an entry for this variant (Variation ID: 983824). For these reasons, this variant has been classified as Pathogenic. Algorithms developed to predict the effect of sequence changes on RNA splicing suggest that this variant may disrupt the consensus splice site.

Myriad Genetics, Inc.
Classification: Likely pathogenic for Usher syndrome type 1. Last evaluated: 2019-11-25. Review status: criteria provided, single submitter. Criteria: Myriad Women's Health Autosomal Recessive and X-Linked Classification Criteria (2019). Collection method: clinical testing. Allele origin: unknown.
Comment: NM_000260.3(MYO7A):c.5967C>A(Y1989*) is expected to be pathogenic in the context of MYO7A-related disorders. This variant is predicted to lead to an abnormal or absent protein product due to the creation of a premature termination codon in MYO7A, a gene where loss-of-function variants are known to be pathogenic. Please note: this variant was assessed in the context of healthy population screening.

Literature cited by the submitters: PubMed 8900236 (cited by Labcorp Genetics (formerly Invitae), Labcorp); PubMed 25404053 (cited by Labcorp Genetics (formerly Invitae), Labcorp).

NM_000260.4(MYO7A):c.5967C>A (p.Tyr1989Ter)

Gene: MYO7A (myosin VIIA; plus strand). Cytogenetic location: 11q13.5.
Variant type: single nucleotide variant.
Coding change: c.5967C>A on transcript NM_000260.4 (MANE Select); coding-DNA position 5967, C replaced by A.
Protein change: p.Tyr1989Ter; replaces tyrosine 1989 with a stop codon.
Molecular consequence: nonsense.
Genome position (GRCh38, 1-based): chr11:77,208,719, C>A. VCF-style: chr11-77208719-C-A. GRCh37 (hg19) VCF-style: chr11-76919764-C-A.
Other names: c.5853C>A, p.Tyr1951Ter (NM_001127180.2); c.5820C>A, p.Tyr1940Ter (NM_001369365.1); short protein forms Y1940*, Y1951*, Y1989*.
Identifiers: ClinVar variation 983824 (VCV000983824.8), dbSNP rs1957642707, ClinGen allele CA381934137.
Genomic context (GRCh38, chr11:77,208,719, plus strand): 5'-CAGGGACCCTCTGGGTGACCGACTGCCCTGTGCTGCAGGAATTGTGCCCTCACTCACCTA[C>A]CAGGTGTTCTTCATGAAGAAGCTGTGGACCACCACGGTGCCAGGGAAGGATCCCATGGCC-3'